The following is an entry in ClinVar:

ClinVar aggregate classification (germline): Benign. Review status: criteria provided, multiple submitters, no conflicts (2 of 4 stars). 2 submissions from 2 submitters: Benign (2). Last evaluated 2018-01-13.

Conditions:
Methylmalonic aciduria, cblB type (MACB). Also called: Vitamin B12-responsive methylmalonic acidemia type cblB; METHYLMALONIC ACIDURIA, VITAMIN B12-RESPONSIVE, DUE TO DEFECT IN SYNTHESIS OF ADENOSYLCOBALAMIN, cblB TYPE; Methylmalonic acidemia cblB type. Identifiers: Orphanet 28, Orphanet 79311, MedGen C1855102, MONDO:0009614, OMIM 251110.

Allele frequency attached by ClinVar (database versions not stated): 1000 Genomes Project 0.19629; TOPMed 0.23407; 1000 Genomes Project 30x 0.19566; gnomAD 0.24103 and 0.24416; gnomAD exomes 0.22554 and 0.24568; ExAC 0.24678.
gnomAD v4.1: 110,644 of 452,868 alleles (24%); highest among the groups gnomAD compares: Middle Eastern, 29%; 14,164 homozygotes.

Submissions (2):

Illumina Laboratory Services, Illumina
Classification: Benign for Methylmalonic aciduria, cblB type. Last evaluated: 2018-01-13. Review status: criteria provided, single submitter. Criteria: ICSL Variant Classification Criteria 13 December 2019. Collection method: clinical testing. Allele origin: germline.
Comment: This variant was observed in the ICSL laboratory as part of a predisposition screen in an ostensibly healthy population. It had not been previously curated by ICSL or reported in the Human Gene Mutation Database (HGMD: prior to June 1st, 2018), and was therefore a candidate for classification through an automated scoring system. Utilizing variant allele frequency, disease prevalence and penetrance estimates, and inheritance mode, an automated score was calculated to assess if this variant is too frequent to cause the disease. Based on the score and internal cut-off values, a variant classified as benign is not then subjected to further curation. The score for this variant resulted in a classification of benign for this disease.

Breakthrough Genomics
Classification: Benign. Review status: criteria provided, single submitter. Criteria: ACMG Guidelines, 2015. Collection method: not provided. Allele origin: germline. Inheritance: Autosomal recessive inheritance. Affected: yes.

NM_052845.4(MMAB):c.*891C>A

Gene: MMAB (metabolism of cobalamin associated B; minus strand). Cytogenetic location: 12q24.11.
Variant type: single nucleotide variant.
Coding change: c.*891C>A on transcript NM_052845.4 (MANE Select); 891 bases downstream of the stop codon, C replaced by A.
Molecular consequence: 3 prime UTR variant. On other transcripts: non-coding transcript variant (1).
Genome position (GRCh38, 1-based): chr12:109,556,137, G>T on the plus strand (C>A on the coding strand, the complement: MMAB is on the minus strand). VCF-style: chr12-109556137-G-T. GRCh37 (hg19) VCF-style: chr12-109993942-G-T.
Identifiers: ClinVar variation 307046 (VCV000307046.6), dbSNP rs877709, ClinGen allele CA6778649.